The following is an entry in ClinVar:

ClinVar aggregate classification (germline): Benign/Likely benign. Review status: criteria provided, multiple submitters, no conflicts (2 of 4 stars). 17 submissions from 17 submitters: Benign (12); Likely benign (2). 3 of the submissions do not count toward it. Last evaluated 2026-02-02.

Conditions:
Renal cell carcinoma. Identifiers: Orphanet 217071, MedGen C0007134, MeSH D002292, MONDO:0005086, HP:0005584.
Hereditary cancer-predisposing syndrome. Also called: Tumor predisposition; Neoplastic Syndromes, Hereditary; Hereditary neoplastic syndrome; Hereditary Cancer Syndrome. Identifiers: Orphanet 140162, MedGen C0027672, MeSH D009386, MONDO:0015356.
Papillary renal cell carcinoma type 1 (RCCP1). Also called: RENAL CELL CARCINOMA, PAPILLARY, 1, SOMATIC; Renal adenocarcinoma; Renal cell carcinoma 1; Renal cell carcinoma, somatic. Identifiers: Orphanet 47044, MedGen C1336839, OMIM 605074, HP:0011797.

Allele frequency attached by ClinVar (database versions not stated): gnomAD 0.00697 and 0.00742; gnomAD exomes 0.00065 and 0.00165; 1000 Genomes Project 0.00719; TOPMed 0.00750; 1000 Genomes Project 30x 0.00874; ExAC 0.00198; ESP Exome Variant Server 0.00689.
gnomAD v4.1: 2,043 of 1,595,714 alleles (0.13%); highest among the groups gnomAD compares: African/African-American, 2.4%; 27 homozygotes.

Submissions (17):

Labcorp Genetics (formerly Invitae), Labcorp
Classification: Benign for Renal cell carcinoma. Last evaluated: 2026-02-02. Review status: criteria provided, single submitter. Criteria: Invitae Variant Classification Sherloc (09022015). Collection method: clinical testing. Allele origin: germline.

Women's Health and Genetics/Laboratory Corporation of America, LabCorp
Classification: Likely benign. Last evaluated: 2025-11-16. Review status: criteria provided, single submitter. Criteria: LabCorp Variant Classification Summary - May 2015. Collection method: clinical testing. Allele origin: germline.

Center for Genomic Medicine, Rigshospitalet, Copenhagen University Hospital
Classification: Benign. Last evaluated: 2025-03-04. Review status: criteria provided, single submitter. Criteria: ACMG Guidelines, 2015. Collection method: clinical testing. Allele origin: germline.

Myriad Genetics, Inc.
Classification: Likely benign for Papillary renal cell carcinoma type 1. Last evaluated: 2024-11-07. Review status: criteria provided, single submitter. Criteria: Myriad Autosomal Dominant, Autosomal Recessive and X-Linked Classification Criteria (2023). Collection method: clinical testing. Allele origin: unknown.
Comment: This variant is considered likely benign. This variant has been observed at a population frequency that is significantly greater than expected given the associated disease prevalence and penetrance.

Department of Pathology and Laboratory Medicine, Sinai Health System
Classification: Benign for Papillary renal cell carcinoma type 1. Last evaluated: 2024-01-10. Review status: criteria provided, single submitter. Criteria: ACMG Guidelines, 2015. Collection method: clinical testing. Allele origin: germline. Affected: yes.

KCCC/NGS Laboratory, Kuwait Cancer Control Center
Classification: Benign for Papillary renal cell carcinoma type 1. Last evaluated: 2023-07-07. Review status: criteria provided, single submitter. Criteria: ACMG Guidelines, 2015. Collection method: clinical testing. Allele origin: germline. Affected: yes.

Mayo Clinic Laboratories, Mayo Clinic
Classification: Benign. Last evaluated: 2022-03-02. Review status: criteria provided, single submitter. Criteria: ACMG Guidelines, 2015. Collection method: clinical testing. Allele origin: germline. Observed: 2 variant alleles.
Comment: BA1, BS2

ARUP Laboratories, Molecular Genetics and Genomics, ARUP Laboratories
Classification: Benign. Last evaluated: 2020-06-19. Review status: criteria provided, single submitter. Criteria: ARUP Molecular Germline Variant Investigation Process. Collection method: clinical testing. Allele origin: germline.

GeneDx
Classification: Benign. Last evaluated: 2018-01-19. Review status: criteria provided, single submitter. Criteria: GeneDx Variant Classification (06012015). Collection method: clinical testing. Allele origin: germline. Affected: yes.
Comment: This variant is considered likely benign or benign based on one or more of the following criteria: it is a conservative change, it occurs at a poorly conserved position in the protein, it is predicted to be benign by multiple in silico algorithms, and/or has population frequency not consistent with disease.

Illumina Laboratory Services, Illumina
Classification: Benign for Papillary renal cell carcinoma type 1. Last evaluated: 2018-01-12. Review status: criteria provided, single submitter. Criteria: ICSL Variant Classification Criteria 13 December 2019. Collection method: clinical testing. Allele origin: germline.
Comment: This variant was observed in the ICSL laboratory as part of a predisposition screen in an ostensibly healthy population. It had not been previously curated by ICSL or reported in the Human Gene Mutation Database (HGMD: prior to June 1st, 2018), and was therefore a candidate for classification through an automated scoring system. Utilizing variant allele frequency, disease prevalence and penetrance estimates, and inheritance mode, an automated score was calculated to assess if this variant is too frequent to cause the disease. Based on the score and internal cut-off values, a variant classified as benign is not then subjected to further curation. The score for this variant resulted in a classification of benign for this disease.

Ambry Genetics
Classification: Benign for Hereditary cancer-predisposing syndrome. Last evaluated: 2015-03-09. Review status: criteria provided, single submitter. Criteria: Ambry Variant Classification Scheme 2023. Collection method: clinical testing. Allele origin: germline.

Eurofins Ntd Llc (ga)
Classification: Benign. Last evaluated: 2013-02-18. Review status: criteria provided, single submitter. Criteria: EGL Classification Definitions 2015. Collection method: clinical testing. Allele origin: germline. Observed: 2 variant alleles, 2 heterozygotes.

Breakthrough Genomics
Classification: Benign. Review status: criteria provided, single submitter. Criteria: ACMG Guidelines, 2015. Collection method: not provided. Allele origin: germline. Inheritance: Autosomal recessive inheritance. Affected: yes.

PreventionGenetics, part of Exact Sciences
Classification: Benign. Review status: criteria provided, single submitter. Criteria: ACMG Guidelines, 2015. Collection method: clinical testing. Allele origin: germline.

ITMI
No classification provided. Condition: AllHighlyPenetrant. Last evaluated: 2013-09-19. Review status: no classification provided. Collection method: reference population. Allele origin: germline. Not counted in ClinVar's aggregate classification.
Comment: Please see associated publication for description of ethnicities

Clinical Genetics, Academic Medical Center
Classification: Benign. Review status: no assertion criteria provided. Collection method: clinical testing. Allele origin: germline. Affected: yes. Study: VKGL Data-share Consensus. Not counted in ClinVar's aggregate classification.

Joint Genome Diagnostic Labs from Nijmegen and Maastricht, Radboudumc and MUMC+
Classification: Benign. Review status: no assertion criteria provided. Collection method: clinical testing. Allele origin: germline. Affected: yes. Study: VKGL Data-share Consensus. Not counted in ClinVar's aggregate classification.

Literature cited by the submitters: PubMed 24728327 (cited by ITMI).

NM_000245.4(MET):c.1085T>C (p.Met362Thr)

Gene: MET (MET proto-oncogene, receptor tyrosine kinase; plus strand). Cytogenetic location: 7q31.2.
Variant type: single nucleotide variant.
Coding change: c.1085T>C on transcript NM_000245.4 (MANE Select); coding-DNA position 1085, T replaced by C.
Protein change: p.Met362Thr; replaces methionine 362 with threonine.
Molecular consequence: missense variant. On other transcripts: intron variant (1).
Genome position (GRCh38, 1-based): chr7:116,700,169, T>C. VCF-style: chr7-116700169-T-C. GRCh37 (hg19) VCF-style: chr7-116340223-T-C.
Other names: c.1085T>C (NM_001127500.2); c.1085T>C, p.Met362Thr (NM_001127500.3, NM_001324401.3); c.-91+27592T>C (NM_001324402.2); short protein forms M362T.
Identifiers: ClinVar variation 93565 (VCV000093565.41), dbSNP rs77523018, ClinGen allele CA147070.